The following is an entry in ClinVar:

NM_004380.3(CREBBP):c.1823+10A>C

Gene: CREBBP (CREB binding lysine acetyltransferase; minus strand). Cytogenetic location: 16p13.3.
Variant type: single nucleotide variant.
Coding change: c.1823+10A>C on transcript NM_004380.3 (MANE Select); 10 bases into the intron after coding-DNA position 1823, A replaced by C.
Molecular consequence: intron variant.
Genome position (GRCh38, 1-based): chr16:3,780,722, T>G on the plus strand (A>C on the coding strand, the complement: CREBBP is on the minus strand). VCF-style: chr16-3780722-T-G. GRCh37 (hg19) VCF-style: chr16-3830723-T-G.
Other names: c.1709+10A>C (NM_001079846.1).
Identifiers: ClinVar variation 4986870 (VCV004986870.1).

ClinVar aggregate classification (germline): Likely benign (1 of 4 stars; one submission).

Conditions:
CREBBP-related disorder. Also called: CREBBP-related disorders; CREBBP-related condition.

gnomAD v4.1: 20 of 1,613,798 alleles (0.0012%); highest among the groups gnomAD compares: Non-Finnish European, 0.0016%; no homozygotes.

Submission:

PreventionGenetics, part of Exact Sciences
Classification: Likely benign for CREBBP-related condition. Last evaluated: 2026-08-25. Review status: criteria provided, single submitter. Criteria: ACMG Guidelines, 2015. Collection method: clinical testing. Allele origin: germline.
Comment: This variant is classified as likely benign based on ACMG/AMP sequence variant interpretation guidelines (Richards et al. 2015 PMID: 25741868, with internal and published modifications).